The following is an entry in ClinVar:

NM_000154.2(GALK1):c.162dup (p.Met55fs)

Gene: GALK1 (galactokinase 1; minus strand). Cytogenetic location: 17q25.1.
Variant type: Duplication.
Coding change: c.162dup on transcript NM_000154.2 (MANE Select); coding-DNA position 162, one base duplicated (T; older notation c.162dupT).
Protein change: p.Met55fs; shifts the reading frame from methionine 55.
Molecular consequence: frameshift variant.
Genome position (GRCh38, 1-based): chr17:75,764,975, A duplicated on the plus strand (T on the coding strand, the reverse complement: GALK1 is on the minus strand). VCF-style (leftmost placement, unchanged base first): chr17-75764974-T-TA. GRCh37 (hg19) VCF-style: chr17-73761055-T-TA.
Other names: c.162dup, p.Met55fs (NM_001381985.1); short protein forms M55fs.
Identifiers: ClinVar variation 1371115 (VCV001371115.6), dbSNP rs2143608028, ClinGen allele CA2573154912.

ClinVar aggregate classification (germline): Pathogenic (1 of 4 stars; one submission).

Conditions:
Deficiency of galactokinase. Also called: GALACTOSEMIA II; Galactokinase deficiency with cataracts. Identifiers: Orphanet 352, Orphanet 79237, MedGen C0268155, MONDO:0009255, OMIM 230200.

Submission:

Labcorp Genetics (formerly Invitae), Labcorp
Classification: Pathogenic for Deficiency of galactokinase. Last evaluated: 2023-01-16. Review status: criteria provided, single submitter. Criteria: Invitae Variant Classification Sherloc (09022015). Collection method: clinical testing. Allele origin: germline.
Comment: For these reasons, this variant has been classified as Pathogenic. ClinVar contains an entry for this variant (Variation ID: 1371115). This variant has not been reported in the literature in individuals affected with GALK1-related conditions. This variant is not present in population databases (gnomAD no frequency). This sequence change creates a premature translational stop signal (p.Met55Tyrfs*26) in the GALK1 gene. It is expected to result in an absent or disrupted protein product. Loss-of-function variants in GALK1 are known to be pathogenic (PMID: 7670469, 10790206).

Literature cited by the submitters: PubMed 7670469; PubMed 10790206.